The following is an entry in ClinVar:

NM_005214.5(CTLA4):c.171G>T (p.Val57=)

Gene: CTLA4 (cytotoxic T-lymphocyte associated protein 4; plus strand). Cytogenetic location: 2q33.2.
Variant type: single nucleotide variant.
Coding change: c.171G>T on transcript NM_005214.5 (MANE Select); coding-DNA position 171, G replaced by T.
Protein change: p.Val57=; no amino-acid change (valine 57 retained).
Molecular consequence: synonymous variant.
Genome position (GRCh38, 1-based): chr2:203,870,647, G>T. VCF-style: chr2-203870647-G-T. GRCh37 (hg19) VCF-style: chr2-204735370-G-T.
Other names: c.171G>T, p.Val57= (NM_001037631.3).
Identifiers: ClinVar variation 1879517 (VCV001879517.29), dbSNP rs373393185, ClinGen allele CA431122412.

ClinVar aggregate classification (germline): Likely benign (1 of 4 stars; one submission).

Submission:

CeGaT Center for Human Genetics Tuebingen
Classification: Likely benign. Last evaluated: 2022-11-01. Review status: criteria provided, single submitter. Criteria: CeGaT Center For Human Genetics Tuebingen Variant Classification Criteria Version 2. Collection method: clinical testing. Allele origin: germline. Affected: yes. Observed: 1 variant allele.
Comment: CTLA4: PM2:Supporting, BP4, BP7